The following is an entry in ClinVar:

ClinVar aggregate classification (germline): Uncertain significance (1 of 4 stars; one submission).

Conditions:
Ataxia-telangiectasia syndrome (AT). Also called: LOUIS-BAR SYNDROME; Ataxia telangiectasia (A-T); Cerebello-oculocutaneous telangiectasia; Immunodeficiency with ataxia telangiectasia; ATAXIA-TELANGIECTASIA, COMPLEMENTATION GROUP A; ATAXIA-TELANGIECTASIA, FRESNO VARIANT. Identifiers: Orphanet 100, MedGen C0004135, MONDO:0008840, OMIM 208900.

Submission:

Labcorp Genetics (formerly Invitae), Labcorp
Classification: Uncertain significance for Ataxia-telangiectasia syndrome. Last evaluated: 2022-06-07. Review status: criteria provided, single submitter. Criteria: Invitae Variant Classification Sherloc (09022015). Collection method: clinical testing. Allele origin: germline.
Comment: This sequence change replaces glutamic acid, which is acidic and polar, with glycine, which is neutral and non-polar, at codon 708 of the ATM protein (p.Glu708Gly). This variant is not present in population databases (gnomAD no frequency). This variant has not been reported in the literature in individuals affected with ATM-related conditions. ClinVar contains an entry for this variant (Variation ID: 949314). Algorithms developed to predict the effect of missense changes on protein structure and function are either unavailable or do not agree on the potential impact of this missense change (SIFT: "Deleterious"; PolyPhen-2: "Benign"; Align-GVGD: "Class C0"). Algorithms developed to predict the effect of sequence changes on RNA splicing suggest that this variant may disrupt the consensus splice site. In summary, the available evidence is currently insufficient to determine the role of this variant in disease. Therefore, it has been classified as a Variant of Uncertain Significance.

NM_000051.4(ATM):c.2123A>G (p.Glu708Gly)

Gene: ATM (ATM serine/threonine kinase; plus strand). Cytogenetic location: 11q22.3.
Variant type: single nucleotide variant.
Coding change: c.2123A>G on transcript NM_000051.4 (MANE Select); coding-DNA position 2123, A replaced by G.
Protein change: p.Glu708Gly; replaces glutamic acid 708 with glycine.
Molecular consequence: missense variant.
Genome position (GRCh38, 1-based): chr11:108,254,038, A>G. VCF-style: chr11-108254038-A-G. GRCh37 (hg19) VCF-style: chr11-108124765-A-G.
Other names: c.2123A>G, p.Glu708Gly (NM_001351834.2); short protein forms E708G.
Identifiers: ClinVar variation 949314 (VCV000949314.9), dbSNP rs2080318638, ClinGen allele CA382537804.